The following is an entry in ClinVar:

NM_005993.5(TBCD):c.1385A>G (p.Asn462Ser)

Gene: TBCD (tubulin folding cofactor D). Cytogenetic location: 17q25.3.
Variant type: single nucleotide variant.
Coding change: c.1385A>G on transcript NM_005993.5 (MANE Select); coding-DNA position 1385, A replaced by G.
Protein change: p.Asn462Ser; replaces asparagine 462 with serine.
Molecular consequence: missense variant.
Genome position (GRCh38, 1-based): chr17:82,870,290, A>G. VCF-style: chr17-82870290-A-G. GRCh37 (hg19) VCF-style: chr17-80828166-A-G.
Other names: c.1334A>G, p.Asn445Ser (NM_001411101.1); c.1385A>G, p.Asn462Ser (NM_001411102.1); c.1385A>G (NM_005993.4); short protein forms N445S, N462S.
Identifiers: ClinVar variation 2179303 (VCV002179303.2), dbSNP rs376947064, ClinGen allele CA8862546.

ClinVar aggregate classification (germline): Conflicting classifications of pathogenicity. Review status: criteria provided, conflicting classifications (1 of 4 stars). 2 submissions from 2 submitters: Uncertain significance (1); Likely benign (1). Last evaluated 2025-04-04.

Conditions:
Inborn genetic diseases. Identifiers: MedGen C0950123, MeSH D030342.

Allele frequency attached by ClinVar (database versions not stated): ExAC 0.00003; gnomAD 0.00005; 1000 Genomes Project 0.00020; gnomAD exomes 0.00001; 1000 Genomes Project 30x 0.00047; TOPMed 0.00006; ESP Exome Variant Server 0.00008.
gnomAD v4.1: 22 of 1,613,570 alleles (0.0014%); highest among the groups gnomAD compares: African/African-American, 0.016%; no homozygotes.

Submissions (2):

Ambry Genetics
Classification: Likely benign for Inborn genetic diseases. Last evaluated: 2025-04-04. Review status: criteria provided, single submitter. Criteria: Ambry Variant Classification Scheme 2023. Collection method: clinical testing. Allele origin: germline.

Labcorp Genetics (formerly Invitae), Labcorp
Classification: Uncertain significance. Last evaluated: 2022-05-12. Review status: criteria provided, single submitter. Criteria: Invitae Variant Classification Sherloc (09022015). Collection method: clinical testing. Allele origin: germline.
Comment: This sequence change replaces asparagine, which is neutral and polar, with serine, which is neutral and polar, at codon 462 of the TBCD protein (p.Asn462Ser). This variant is present in population databases (rs376947064, gnomAD 0.03%). This variant has not been reported in the literature in individuals affected with TBCD-related conditions. Algorithms developed to predict the effect of missense changes on protein structure and function are either unavailable or do not agree on the potential impact of this missense change (SIFT: "Tolerated"; PolyPhen-2: "Possibly Damaging"; Align-GVGD: "Class C0"). In summary, the available evidence is currently insufficient to determine the role of this variant in disease. Therefore, it has been classified as a Variant of Uncertain Significance.